The following is an entry in ClinVar:

ClinVar aggregate classification (germline): Likely pathogenic (0 of 4 stars; one submission).

Conditions:
PCSK1-related disorder. Also called: PCSK1-related condition.

Submission:

PreventionGenetics, part of Exact Sciences
Classification: Likely pathogenic for PCSK1-related condition. Last evaluated: 2024-08-21. Review status: no assertion criteria provided. Collection method: clinical testing. Allele origin: germline.
Comment: The PCSK1 c.1307delA variant is predicted to result in a frameshift and premature protein termination (p.Asn436Ilefs*9). To our knowledge, this variant has not been reported in the literature or in a large population database, indicating this variant is rare. Frameshift variants in PCSK1 are expected to be pathogenic. This variant is interpreted as likely pathogenic.

NM_000439.5(PCSK1):c.1307del (p.Asn436fs)

Genes: PCSK1 (proprotein convertase subtilisin/kexin type 1; minus strand), CAST (calpastatin; plus strand), LOC101929710 (uncharacterized LOC101929710; plus strand). Cytogenetic location: 5q15.
Variant type: Deletion.
Coding change: c.1307del on transcript NM_000439.5 (MANE Select); coding-DNA position 1307, one base deleted (A; older notation c.1307delA).
Protein change: p.Asn436fs; shifts the reading frame from asparagine 436.
Molecular consequence: frameshift variant. On other transcripts: intron variant (11).
Genome position (GRCh38, 1-based): chr5:96,400,076, T deleted on the plus strand (A on the coding strand, the reverse complement: PCSK1 is on the minus strand); the first of 2 consecutive T bases (chr5:96,400,076-96,400,077); deleting either gives the same sequence. VCF-style (leftmost placement, unchanged base first): chr5-96400075-AT-A. GRCh37 (hg19) VCF-style: chr5-95735779-AT-A.
Other names: c.1166del, p.Asn389fs (NM_001177875.2); c.-175+20425del (NM_001423254.1, NM_001423259.1, NM_001423255.1 and 6 more transcripts); c.-103+20425del (NM_001423253.1); c.-40+20425del (NM_001423258.1); short protein forms N389fs, N436fs.
Identifiers: ClinVar variation 3346098 (VCV003346098.1).
Genomic context (GRCh38, chr5:96,400,075, plus strand): 5'-CCTGGGGTCAGCTAAATCCACCAGAGCTTTGGCATTTAGCAAGCCAAATCCAAATCGACT[AT>A]TCACCATCAAGCCTGCTCCATTCTTTTTCCATCCAGGGTTATTGGCCAGCGGGTCATACT-3'